The following is an entry in ClinVar:

ClinVar aggregate classification (germline): Uncertain significance (1 of 4 stars; one submission).

Allele frequency attached by ClinVar (database versions not stated): gnomAD exomes below 0.00001.
gnomAD v4.1: 3 of 1,614,204 alleles (0.00019%); highest among the groups gnomAD compares: Non-Finnish European, 0.00025%; no homozygotes.

Submission:

CeGaT Center for Human Genetics Tuebingen
Classification: Uncertain significance. Last evaluated: 2022-07-01. Review status: criteria provided, single submitter. Criteria: CeGaT Center For Human Genetics Tuebingen Variant Classification Criteria Version 2. Collection method: clinical testing. Allele origin: germline. Affected: yes. Observed: 1 variant allele.
Comment: KAT6B: PM2

NM_012330.4(KAT6B):c.5050A>G (p.Ser1684Gly)

Gene: KAT6B (lysine acetyltransferase 6B; plus strand). Cytogenetic location: 10q22.2.
Variant type: single nucleotide variant.
Coding change: c.5050A>G on transcript NM_012330.4 (MANE Select); coding-DNA position 5050, A replaced by G.
Protein change: p.Ser1684Gly; replaces serine 1684 with glycine.
Molecular consequence: missense variant.
Genome position (GRCh38, 1-based): chr10:75,029,874, A>G. VCF-style: chr10-75029874-A-G. GRCh37 (hg19) VCF-style: chr10-76789632-A-G.
Other names: c.4501A>G, p.Ser1501Gly (NM_001256468.2, NM_001370138.1); c.4174A>G, p.Ser1392Gly (NM_001256469.2, NM_001370139.1, NM_001370140.1 and 2 more transcripts); c.4012A>G, p.Ser1338Gly (NM_001370132.1); c.3361A>G, p.Ser1121Gly (NM_001370133.1); c.2965A>G, p.Ser989Gly (NM_001370134.1); c.2707A>G, p.Ser903Gly (NM_001370135.1); c.5050A>G, p.Ser1684Gly (NM_001370136.1, NM_001370137.1); c.3985A>G, p.Ser1329Gly (NM_001370143.1, NM_001370144.1); short protein forms S1121G, S1329G, S1338G, S1392G, S1501G, S1684G, S903G, S989G.
Identifiers: ClinVar variation 2640606 (VCV002640606.24), dbSNP rs2549207957, ClinGen allele CA377299807.